The following is an entry in ClinVar:

NM_025114.4(CEP290):c.4438-2A>G

Gene: CEP290 (centrosomal protein 290; minus strand). Cytogenetic location: 12q21.32.
Variant type: single nucleotide variant.
Coding change: c.4438-2A>G on transcript NM_025114.4 (MANE Select); the canonical splice acceptor site of the intron before coding-DNA position 4438, A replaced by G.
Molecular consequence: splice acceptor variant.
Genome position (GRCh38, 1-based): chr12:88,084,854, T>C on the plus strand (A>G on the coding strand, the complement: CEP290 is on the minus strand). VCF-style: chr12-88084854-T-C. GRCh37 (hg19) VCF-style: chr12-88478631-T-C.
Other names: NM_025114.4:c.4438-2A>G.
Identifiers: ClinVar variation 4871877 (VCV004871877.1).

ClinVar aggregate classification (germline): Pathogenic (3 of 4 stars; one submission).

Conditions:
CEP290-related ciliopathy. Also called: CEP290 ciliopathy. Identifiers: MedGen CN305601, MONDO:0100451.

Submission:

ClinGen Leber Congenital Amaurosis/early Onset Retinal Dystrophy Variant Curation Expert Panel, ClinGen
Classification: Pathogenic for CEP290-related ciliopathy. Last evaluated: 2026-07-20. Review status: reviewed by expert panel. Criteria: ClinGen LCAeoRD ACMG Specifications CEP290 V1.0.0. Collection method: curation. Allele origin: germline. Inheritance: Autosomal recessive inheritance.
Comment: NM_025114.4(CEP290):c.4438-2A> disrupts a canonical splice site in intron 34 and is predicted to lead to skipping of critical out-of-frame exon 35 (PVS1). This variant is absent from gnomAD v4.1.1 (PM2_Supporting). At least one proband harboring this variant exhibits a phenotype including diagnosis of retinitis pigmentosa (0.5 pts) with onset at age 1 month (0.5 pts), peripheral visual field constriction (0.5 pts), nystagmus (0.5 pts), night blindness (0.5 pts), reduced visual acuity (0.5 pts), tapetoretinal degeneration, and pigment deposits (0.5 pts), with genotyping by whole exome sequencing (4 pts), which together are specific for CEP290-related ciliopathy (total 7.5 points, PMID: 27032803, PP4). In summary, this variant meets the criteria to be classified as Pathogenic for CEP290-related ciliopathy based on the ACMG/AMP criteria applied, as specified by the ClinGen LCA/eoRD VCEP: PVS1, PM2_Supporting, and PP4. (LCA/eoRD VCEP Specifications for CEP290 Version 1.0.0)